The following is an entry in ClinVar:

ClinVar aggregate classification (germline): Pathogenic (1 of 4 stars; one submission).

Conditions:
Glycine encephalopathy. Also called: Non-ketotic hyperglycinemia; Nonketotic hyperglycinemia. Identifiers: Orphanet 407, MedGen C0751748, MONDO:0011612, HP:0008288.

Submission:

Labcorp Genetics (formerly Invitae), Labcorp
Classification: Pathogenic for Glycine encephalopathy. Last evaluated: 2022-03-24. Review status: criteria provided, single submitter. Criteria: Invitae Variant Classification Sherloc (09022015). Collection method: clinical testing. Allele origin: germline.
Comment: This variant has not been reported in the literature in individuals affected with GLDC-related conditions. For these reasons, this variant has been classified as Pathogenic. This variant is a gross deletion of the genomic region encompassing exon(s) 19 of the GLDC gene. This deletion is out-of-frame, and is expected to create a premature termination codon and result in an absent or disrupted protein product. Loss-of-function variants in GLDC are known to be pathogenic (PMID: 16601880).

Literature cited by the submitters: PubMed 16601880.

NC_000009.11:g.(?_6554649)_(6554801_?)del

Gene: GLDC (glycine decarboxylase; minus strand). Cytogenetic location: 9p24.1.
Variant type: Deletion.
Identifiers: ClinVar variation 1458734 (VCV001458734.8).